The following is an entry in ClinVar:

ClinVar aggregate classification (germline): Uncertain significance (1 of 4 stars; one submission).

Conditions:
Neurofibromatosis, type 1 (NF1). Also called: Neurofibromatosis, type I; Peripheral type neurofibromatosis; VON RECKLINGHAUSEN DISEASE; NEUROFIBROMATOSIS, TYPE I, SOMATIC. Identifiers: Orphanet 636, MedGen C0027831, MONDO:0018975, OMIM 162200. Disease mechanism: loss of function.

Submission:

Labcorp Genetics (formerly Invitae), Labcorp
Classification: Uncertain significance for Neurofibromatosis, type 1. Last evaluated: 2022-07-17. Review status: criteria provided, single submitter. Criteria: Invitae Variant Classification Sherloc (09022015). Collection method: clinical testing. Allele origin: germline.
Comment: This sequence change falls in intron 34 of the NF1 gene. It does not directly change the encoded amino acid sequence of the NF1 protein. This variant is not present in population databases (gnomAD no frequency). This variant has not been reported in the literature in individuals affected with NF1-related conditions. Algorithms developed to predict the effect of sequence changes on RNA splicing suggest that this variant may disrupt the consensus splice site. In summary, the available evidence is currently insufficient to determine the role of this variant in disease. Therefore, it has been classified as a Variant of Uncertain Significance.

NM_001042492.3(NF1):c.4724+7T>G

Gene: NF1 (neurofibromin 1; plus strand). Cytogenetic location: 17q11.2.
Variant type: single nucleotide variant.
Coding change: c.4724+7T>G on transcript NM_001042492.3 (MANE Select); 7 bases into the intron after coding-DNA position 4724, T replaced by G.
Molecular consequence: intron variant.
Genome position (GRCh38, 1-based): chr17:31,261,864, T>G. VCF-style: chr17-31261864-T-G. GRCh37 (hg19) VCF-style: chr17-29588882-T-G.
Other names: c.4661+7T>G (NM_000267.4).
Identifiers: ClinVar variation 2017755 (VCV002017755.4), dbSNP rs864622178, ClinGen allele CA2580093319.